The following is an entry in ClinVar:

ClinVar aggregate classification (germline): Pathogenic. Review status: criteria provided, multiple submitters, no conflicts (2 of 4 stars). 5 submissions from 5 submitters: Pathogenic (4). 1 of the submissions does not count toward it. Last evaluated 2026-05-12.

Conditions:
RET-related disorder. Also called: RET-related condition; RET-related disease; RET-related disorders.
Hereditary cancer-predisposing syndrome. Also called: Hereditary neoplastic syndrome; Tumor predisposition; Hereditary Cancer Syndrome; Neoplastic Syndromes, Hereditary. Identifiers: Orphanet 140162, MedGen C0027672, MeSH D009386, MONDO:0015356.
Multiple endocrine neoplasia, type 2 (MEN2). Identifiers: Orphanet 653, MedGen C4048306, MONDO:0019003. Disease mechanism: gain of function.
MULTIPLE ENDOCRINE NEOPLASIA, TYPE IIA, WITH HIRSCHSPRUNG DISEASE. Identifiers: MedGen C4016286.

Submissions (5):

PreventionGenetics, part of Exact Sciences
Classification: Pathogenic for RET-related condition. Last evaluated: 2026-05-12. Review status: criteria provided, single submitter. Criteria: ACMG Guidelines, 2015. Collection method: clinical testing. Allele origin: germline.
Comment: The RET c.1860C>G variant is predicted to result in the amino acid substitution p.Cys620Trp. This variant, located in exon 10 of RET, has been frequently reported in individuals with multiple endocrine neoplasia, Hirschsprung disease, and familial medullary thyroid carcinoma (Decker et al. 1998. PubMed ID: 9384613; Heshmati et al. 1997. PubMed ID: 9146685; Frank-Raue et al. 2011. PubMed ID: 20979234).  Furthermore, codon 620 of RET is considered a mutational hotspot and several other missense variants impacting this amino acid have been reported in association with medullary thyroid cancer and Hirschsprung disease (Table 5, Kloos et al. 2009. PubMed ID: 19469690). This variant has not been reported in a large population database (gnomAD), indicating this variant is rare. Taken together, we interpret this variant as pathogenic.

Ambry Genetics
Classification: Pathogenic for Hereditary cancer-predisposing syndrome. Last evaluated: 2022-06-10. Review status: criteria provided, single submitter. Criteria: Ambry Variant Classification Scheme 2023. Collection method: clinical testing. Allele origin: germline.
Comment: The p.C620W pathogenic mutation (also known as c.1860C>G), located in coding exon 10 of the RET gene, results from a C to G substitution at nucleotide position 1860. The cysteine at codon 620 is replaced by tryptophan, an amino acid with highly dissimilar properties. This mutation has previously been reported in multiple families affected with MEN2A, Hirschsprung disease and/or medullary thyroid carcinoma (MTC) (Decker RA et al. Hum. Mol. Genet., 1998 Jan;7:129-34; Heshmati HM et al. Mayo Clin. Proc., 1997 May;72:430-6; Frank-Raue K et al. Hum. Mutat., 2011 Jan;32:51-8). In addition, codon 620 is a well-described mutation hotspot and several other mutations at this same codon have been categorized by the American Thyroid Association as having moderate risk for MTC (Wells, et al. Thyroid. 2015;25(6):567-610). This variant is considered to be rare based on population cohorts in the Genome Aggregation Database (gnomAD). This amino acid position is highly conserved in available vertebrate species. In addition, this alteration is predicted to be deleterious by in silico analysis. Based on the supporting evidence, this alteration is interpreted as a disease-causing mutation.

GeneDx
Classification: Pathogenic. Last evaluated: 2022-01-27. Review status: criteria provided, single submitter. Criteria: GeneDx Variant Classification Process June 2021. Collection method: clinical testing. Allele origin: germline. Affected: yes.
Comment: Not observed at significant frequency in large population cohorts (gnomAD); In silico analysis supports that this missense variant has a deleterious effect on protein structure/function; This variant is associated with the following publications: (PMID: 17270543, 21542403, 14718397, 19853744, 9384613, 22811860, Margraf[CaseRpt]2012, 14633923, 9146685, 20979234, 20152359, 9068588)

Labcorp Genetics (formerly Invitae), Labcorp
Classification: Pathogenic for Multiple endocrine neoplasia, type 2. Last evaluated: 2020-05-12. Review status: criteria provided, single submitter. Criteria: Invitae Variant Classification Sherloc (09022015). Collection method: clinical testing. Allele origin: germline.
Comment: For these reasons, this variant has been classified as Pathogenic. This variant disrupts the p.Cys620 amino acid residue in RET. Other variants that disrupt this residue have been determined to be pathogenic (PMID: 20979234, 15472167, 9012462, 8909322, 16705552, 19443294, 20979234, 7915165, 10777380, 14517954, 11471675, 9230192). This suggests that this residue is clinically significant, and that variants that disrupt this residue are likely to be disease-causing. Algorithms developed to predict the effect of missense changes on protein structure and function (SIFT, PolyPhen-2, Align-GVGD) all suggest that this variant is likely to be disruptive, but these predictions have not been confirmed by published functional studies and their clinical significance is uncertain. This variant has been observed in individuals with MEN2A, medullary thyroid cancer and Hirschsprung disease (PMID: 9146685, 9384613, 21542403, 19853744, 20979234, 20152359). It has also been observed to segregate with disease in related individuals. ClinVar contains an entry for this variant (Variation ID: 13934). This variant is not present in population databases (ExAC no frequency). This sequence change replaces cysteine with tryptophan at codon 620 of the RET protein (p.Cys620Trp). The cysteine residue is highly conserved and there is a large physicochemical difference between cysteine and tryptophan.

OMIM
Classification: Pathogenic for MULTIPLE ENDOCRINE NEOPLASIA, TYPE IIA, WITH HIRSCHSPRUNG DISEASE. Last evaluated: 2017-02-28. Review status: no assertion criteria provided. Collection method: literature only. Allele origin: germline. Not counted in ClinVar's aggregate classification.

Literature cited by the submitters: PubMed 19469690 (cited by Ambry Genetics); PubMed 20152359 (cited by Ambry Genetics and Labcorp Genetics (formerly Invitae), Labcorp); PubMed 20979234 (cited by Ambry Genetics and Labcorp Genetics (formerly Invitae), Labcorp); PubMed 25810047 (cited by Ambry Genetics); PubMed 9068588 (cited by Ambry Genetics); PubMed 9146685 (cited by Ambry Genetics and Labcorp Genetics (formerly Invitae), Labcorp); PubMed 9384613 (cited by Ambry Genetics and Labcorp Genetics (formerly Invitae), Labcorp); PubMed 15472167 (cited by Labcorp Genetics (formerly Invitae), Labcorp); PubMed 9012462 (cited by Labcorp Genetics (formerly Invitae), Labcorp); PubMed 8909322 (cited by Labcorp Genetics (formerly Invitae), Labcorp); PubMed 16705552 (cited by Labcorp Genetics (formerly Invitae), Labcorp); PubMed 19443294 (cited by Labcorp Genetics (formerly Invitae), Labcorp); PubMed 7915165 (cited by Labcorp Genetics (formerly Invitae), Labcorp); PubMed 10777380 (cited by Labcorp Genetics (formerly Invitae), Labcorp); PubMed 14517954 (cited by Labcorp Genetics (formerly Invitae), Labcorp); PubMed 11471675 (cited by Labcorp Genetics (formerly Invitae), Labcorp); PubMed 9230192 (cited by Labcorp Genetics (formerly Invitae), Labcorp); PubMed 21542403 (cited by Labcorp Genetics (formerly Invitae), Labcorp); PubMed 19853744 (cited by Labcorp Genetics (formerly Invitae), Labcorp); PubMed 11562352 (cited by OMIM).

NM_020975.6(RET):c.1860C>G (p.Cys620Trp)

Gene: RET (ret proto-oncogene; plus strand). Cytogenetic location: 10q11.21.
Variant type: single nucleotide variant.
Coding change: c.1860C>G on transcript NM_020975.6 (MANE Select); coding-DNA position 1860, C replaced by G.
Protein change: p.Cys620Trp; replaces cysteine 620 with tryptophan.
Molecular consequence: missense variant.
Genome position (GRCh38, 1-based): chr10:43,113,656, C>G. VCF-style: chr10-43113656-C-G. GRCh37 (hg19) VCF-style: chr10-43609104-C-G.
Other names: c.1860C>G, p.Cys620Trp (NM_000323.2, NM_001406743.1, NM_001406744.1 and 6 more transcripts); c.1098C>G, p.Cys366Trp (NM_001355216.2); c.1731C>G, p.Cys577Trp (NM_001406761.1, NM_001406762.1, NM_001406764.1 and 1 more transcripts); c.1572C>G, p.Cys524Trp (NM_001406766.1, NM_001406767.1, NM_001406770.1); c.1134C>G, p.Cys378Trp (NM_001406778.1, NM_001406775.1, NM_001406776.1 and 1 more transcripts); c.963C>G, p.Cys321Trp (NM_001406779.1, NM_001406780.1, NM_001406781.1 and 2 more transcripts); c.834C>G, p.Cys278Trp (NM_001406783.1, NM_001406786.1); c.870C>G, p.Cys290Trp (NM_001406784.1); and 5 more; short protein forms C620W, C366W, C137W, C278W, C378W, C225W, C321W, C524W.
Identifiers: ClinVar variation 13934 (VCV000013934.17), dbSNP rs79890926, ClinGen allele CA008105.